The following is an entry in ClinVar:

NC_000004.11:g.(?_41747824)_(41750627_?)dup

Gene: PHOX2B (paired like homeobox 2B; minus strand). Cytogenetic location: 4p13.
Variant type: Duplication.
Identifiers: ClinVar variation 1421661 (VCV001421661.5).

ClinVar aggregate classification (germline): Uncertain significance (1 of 4 stars; one submission).

Conditions:
Haddad syndrome (OHD). Also called: Ondine-Hirschsprung disease. Identifiers: Orphanet 99803, MedGen C1859049, MONDO:0020493.

Submission:

Labcorp Genetics (formerly Invitae), Labcorp
Classification: Uncertain significance for Haddad syndrome. Last evaluated: 2023-06-23. Review status: criteria provided, single submitter. Criteria: Invitae Variant Classification Sherloc (09022015). Collection method: clinical testing. Allele origin: germline.
Comment: A copy number gain of the genomic region encompassing the full coding sequence of the PHOX2B gene has been identified. The boundaries of this event are unknown as they extend beyond the assayed region for this gene and therefore may encompass additional genes. As the precise location of this event is unknown, it may be in tandem or it may be located elsewhere in the genome. This variant has not been reported in the literature in individuals affected with PHOX2B-related conditions. Experimental studies and prediction algorithms are not available or were not evaluated, and the functional significance of this variant is currently unknown. In summary, the available evidence is currently insufficient to determine the role of this variant in disease. Therefore, it has been classified as a Variant of Uncertain Significance.